The following is an entry in ClinVar:

NM_002458.3(MUC5B):c.11436C>T (p.Thr3812=)

Genes: MUC5B (mucin 5B, oligomeric mucus/gel-forming; plus strand), MUC5B-AS1 (MUC5B antisense RNA 1; minus strand). Cytogenetic location: 11p15.5.
Variant type: single nucleotide variant.
Coding change: c.11436C>T on transcript NM_002458.3 (MANE Select); coding-DNA position 11436, C replaced by T.
Protein change: p.Thr3812=; no amino-acid change (threonine 3812 retained).
Molecular consequence: synonymous variant.
Genome position (GRCh38, 1-based): chr11:1,248,316, C>T. VCF-style: chr11-1248316-C-T. GRCh37 (hg19) VCF-style: chr11-1269546-C-T.
Identifiers: ClinVar variation 2641274 (VCV002641274.24), dbSNP rs2494235998, ClinGen allele CA472453552.

ClinVar aggregate classification (germline): Likely benign (1 of 4 stars; one submission).

Submission:

CeGaT Center for Human Genetics Tuebingen
Classification: Likely benign. Last evaluated: 2026-06-01. Review status: criteria provided, single submitter. Criteria: CeGaT Center For Human Genetics Tuebingen Variant Classification Criteria Version 2. Collection method: clinical testing. Allele origin: germline. Affected: yes. Observed: 12 variant alleles.
Comment: MUC5B: BP4, BP7